The following is an entry in ClinVar:

NM_001127178.3(PIGG):c.2861A>C (p.Lys954Thr)

Gene: PIGG (phosphatidylinositol glycan anchor biosynthesis class G (EMM blood group); plus strand). Cytogenetic location: 4p16.3.
Variant type: single nucleotide variant.
Coding change: c.2861A>C on transcript NM_001127178.3 (MANE Select); coding-DNA position 2861, A replaced by C.
Protein change: p.Lys954Thr; replaces lysine 954 with threonine.
Molecular consequence: missense variant. On other transcripts: non-coding transcript variant (10).
Genome position (GRCh38, 1-based): chr4:539,278, A>C. VCF-style: chr4-539278-A-C. GRCh37 (hg19) VCF-style: chr4-533067-A-C.
Other names: c.2594A>C, p.Lys865Thr (NM_001289051.2, NM_001345986.2); c.2462A>C, p.Lys821Thr (NM_001289052.2); c.2570A>C, p.Lys857Thr (NM_001345987.2); c.1832A>C, p.Lys611Thr (NM_001345988.2); c.1328A>C, p.Lys443Thr (NM_001345990.2, NM_001345991.2); c.1763A>C, p.Lys588Thr (NM_001345994.2); c.2837A>C, p.Lys946Thr (NM_017733.5); short protein forms K443T, K857T, K588T, K865T, K946T, K611T, K821T, K954T.
Identifiers: ClinVar variation 2008993 (VCV002008993.1), dbSNP rs1731507075, ClinGen allele CA355914585.
Genomic context (GRCh38, chr4:539,278, plus strand): 5'-ACATCGTTTTGGTGACATCTCTGCGTTATCATTTATTTATATGGAGTGTATTTTCTCCAA[A>C]ACTTCTCTACGAGGGAATGCACCTGCTCATTACAGCTGCTGTCTGTGTATTCTTCACGGC-3'
Protein context (NP_001120650.1, residues 944-964): HLFIWSVFSP[Lys954Thr]LLYEGMHLLI

ClinVar aggregate classification (germline): Uncertain significance (1 of 4 stars; one submission).

Conditions:
Intellectual disability, autosomal recessive 53 (NEDHSCA). Also called: NEURODEVELOPMENTAL DISORDER WITH OR WITHOUT HYPOTONIA, SEIZURES, AND CEREBELLAR ATROPHY; Mental retardation, autosomal recessive 53; GLYCOSYLPHOSPHATIDYLINOSITOL BIOSYNTHESIS DEFECT 13. Identifiers: Orphanet 488635, MedGen C4310794, MONDO:0014832, OMIM 616917.

Allele frequency attached by ClinVar (database versions not stated): TOPMed below 0.00001; gnomAD 0.00001.
gnomAD v4.1: 1 of 1,613,690 alleles (0.000062%); highest among the groups gnomAD compares: African/African-American, 0.0013%; no homozygotes.

Submission:

Labcorp Genetics (formerly Invitae), Labcorp
Classification: Uncertain significance for Intellectual disability, autosomal recessive 53. Last evaluated: 2022-06-22. Review status: criteria provided, single submitter. Criteria: Invitae Variant Classification Sherloc (09022015). Collection method: clinical testing. Allele origin: germline.
Comment: This sequence change replaces lysine, which is basic and polar, with threonine, which is neutral and polar, at codon 954 of the PIGG protein (p.Lys954Thr). This variant is not present in population databases (gnomAD no frequency). This variant has not been reported in the literature in individuals affected with PIGG-related conditions. Algorithms developed to predict the effect of missense changes on protein structure and function are either unavailable or do not agree on the potential impact of this missense change (SIFT: "Deleterious"; PolyPhen-2: "Probably Damaging"; Align-GVGD: "Class C0"). In summary, the available evidence is currently insufficient to determine the role of this variant in disease. Therefore, it has been classified as a Variant of Uncertain Significance.